The following is an entry in ClinVar:

ClinVar aggregate classification (germline): Benign. Review status: criteria provided, multiple submitters, no conflicts (2 of 4 stars). 6 submissions from 5 submitters: Benign (5). 1 of the submissions does not count toward it. Last evaluated 2026-02-03.

Conditions:
Baraitser-Winter syndrome 1 (BRWS1). Also called: PACHYGYRIA, MENTAL RETARDATION, EPILEPSY, AND CHARACTERISTIC FACIES; MENTAL RETARDATION WITH EPILEPSY AND CHARACTERISTIC FACIES; Cerebrofrontofacial syndrome; BARAITSER-WINTER SYNDROME 1, ATYPICAL. Identifiers: Orphanet 2649, Orphanet 2995, MedGen C1855722, MONDO:0009470, OMIM 243310.
Developmental malformations-deafness-dystonia syndrome (DDS1). Identifiers: Orphanet 79107, MedGen C5848323, MONDO:0011823, OMIM 607371.

Allele frequency attached by ClinVar (database versions not stated): gnomAD 0.01128 and 0.01054; TOPMed 0.01160; 1000 Genomes Project 0.01278; ESP Exome Variant Server 0.01307; 1000 Genomes Project 30x 0.01546; gnomAD exomes 0.00101 and 0.00266; ExAC 0.00360.
gnomAD v4.1: 3,133 of 1,613,878 alleles (0.19%); highest among the groups gnomAD compares: African/African-American, 3.7%; 65 homozygotes.

Submissions (6):

Labcorp Genetics (formerly Invitae), Labcorp
Classification: Benign for Baraitser-Winter syndrome 1. Last evaluated: 2026-02-03. Review status: criteria provided, single submitter. Criteria: Invitae Variant Classification Sherloc (09022015). Collection method: clinical testing. Allele origin: germline.

Mayo Clinic Laboratories, Mayo Clinic
Classification: Benign. Last evaluated: 2024-12-06. Review status: criteria provided, single submitter. Criteria: ACMG Guidelines, 2015. Collection method: clinical testing. Allele origin: germline. Observed: 6 variant alleles.
Comment: BS1, BS2, BP4, BP7

Genome-Nilou Lab
Classification: Benign for Baraitser-Winter syndrome 1. Last evaluated: 2021-12-05. Review status: criteria provided, single submitter. Criteria: ACMG Guidelines, 2015. Collection method: clinical testing. Allele origin: germline. Affected: no.

Genome-Nilou Lab
Classification: Benign for Developmental malformations-deafness-dystonia syndrome. Last evaluated: 2021-12-05. Review status: criteria provided, single submitter. Criteria: ACMG Guidelines, 2015. Collection method: clinical testing. Allele origin: germline. Affected: no.

GeneDx
Classification: Benign. Last evaluated: 2015-11-19. Review status: criteria provided, single submitter. Criteria: GeneDx Variant Classification (06012015). Collection method: clinical testing. Allele origin: germline. Affected: yes.
Comment: This variant is considered likely benign or benign based on one or more of the following criteria: it is a conservative change, it occurs at a poorly conserved position in the protein, it is predicted to be benign by multiple in silico algorithms, and/or has population frequency not consistent with disease.

Genetic Services Laboratory, University of Chicago
Classification: Likely benign for AllHighlyPenetrant. Review status: no assertion criteria provided. Collection method: clinical testing. Allele origin: germline. Inheritance: Autosomal recessive inheritance. Not counted in ClinVar's aggregate classification.
Comment: Likely benign based on allele frequency in 1000 Genomes Project or ESP global frequency and its presence in a patient with a rare or unrelated disease phenotype. NOT Sanger confirmed.

NM_001101.5(ACTB):c.1023C>T (p.Ile341=)

Gene: ACTB (actin beta; minus strand). Cytogenetic location: 7p22.1.
Variant type: single nucleotide variant.
Coding change: c.1023C>T on transcript NM_001101.5 (MANE Select); coding-DNA position 1023, C replaced by T.
Protein change: p.Ile341=; no amino-acid change (isoleucine 341 retained).
Molecular consequence: synonymous variant.
Genome position (GRCh38, 1-based): chr7:5,527,853, G>A on the plus strand (C>T on the coding strand, the complement: ACTB is on the minus strand). VCF-style: chr7-5527853-G-A. GRCh37 (hg19) VCF-style: chr7-5567484-G-A.
Other names: p.Ile341=; c.1023C>T (LRG_132t1).
Identifiers: ClinVar variation 128263 (VCV000128263.18), dbSNP rs58704474, ClinGen allele CA151574.
Genomic context (GRCh38, chr7:5,527,853, plus strand): 5'-CTCCTGCTTGCTGATCCACATCTGCTGGAAGGTGGACAGCGAGGCCAGGATGGAGCCGCC[G>A]ATCCACACGGAGTACTTGCGCTCAGGAGGAGCAATGATCTGAGGAGGGAAGGGGACAGGC-3'
Protein context (NP_001092.1, residues 331-351): APPERKYSVW[Ile341=]GGSILASLST